The following is an entry in ClinVar:

ClinVar aggregate classification (germline): Benign. Review status: criteria provided, multiple submitters, no conflicts (2 of 4 stars). 8 submissions from 4 submitters: Benign (8). Last evaluated 2026-02-02.

Conditions:
Hyperkalemic periodic paralysis. Also called: Familial hyperkalemic periodic paralysis; Gamstorp disease. Identifiers: Orphanet 682, MedGen C0238357, MONDO:0008224, OMIM 170500, HP:0007215.
Hypokalemic periodic paralysis, type 2 (HOKPP2). Identifiers: Orphanet 681, MedGen C2750061, MONDO:0013234, OMIM 613345.
Congenital myasthenic syndrome 16. Identifiers: Orphanet 590, MedGen C3280112, MONDO:0013620, OMIM 614198.
Paramyotonia congenita of Von Eulenburg. Also called: Paramyotonia Congenita; Eulenburg disease; Myotonia congenita intermittens; Von Eulenburg paramyotonia congenita; PARALYSIS PERIODICA PARAMYOTONICA. Identifiers: Orphanet 684, MedGen C0221055, MONDO:0008195, OMIM 168300. Disease mechanism: loss of function.
Potassium-aggravated myotonia. Also called: SODIUM CHANNEL MUSCLE DISEASE; MYOTONIA CONGENITA, ACETAZOLAMIDE-RESPONSIVE; MYOTONIA CONGENITA, ATYPICAL; Myotonia congenita, atypical, acetazolamide-responsive. Identifiers: Orphanet 612, Orphanet 99734, Orphanet 99735, Orphanet 99736, MedGen C2931826, MONDO:0018959, OMIM 608390.

Allele frequency attached by ClinVar (database versions not stated): ExAC 0.00546; 1000 Genomes Project 30x 0.01827; gnomAD exomes 0.00392 and 0.00155; gnomAD 0.01618 and 0.01755; TOPMed 0.01861; 1000 Genomes Project 0.01697; ESP Exome Variant Server 0.01699.
gnomAD v4.1: 4,696 of 1,538,510 alleles (0.31%); highest among the groups gnomAD compares: African/African-American, 5.7%; 124 homozygotes.

Submissions (8):

Labcorp Genetics (formerly Invitae), Labcorp
Classification: Benign for Hyperkalemic periodic paralysis. Last evaluated: 2026-02-02. Review status: criteria provided, single submitter. Criteria: Invitae Variant Classification Sherloc (09022015). Collection method: clinical testing. Allele origin: germline.

Illumina Laboratory Services, Illumina
Classification: Benign for Hypokalemic periodic paralysis, type 2. Last evaluated: 2018-01-13. Review status: criteria provided, single submitter. Criteria: ICSL Variant Classification Criteria 13 December 2019. Collection method: clinical testing. Allele origin: germline.
Comment: This variant was observed in the ICSL laboratory as part of a predisposition screen in an ostensibly healthy population. It had not been previously curated by ICSL or reported in the Human Gene Mutation Database (HGMD: prior to June 1st, 2018), and was therefore a candidate for classification through an automated scoring system. Utilizing variant allele frequency, disease prevalence and penetrance estimates, and inheritance mode, an automated score was calculated to assess if this variant is too frequent to cause the disease. Based on the score and internal cut-off values, a variant classified as benign is not then subjected to further curation. The score for this variant resulted in a classification of benign for this disease.

Illumina Laboratory Services, Illumina
Classification: Benign for Hyperkalemic periodic paralysis. Last evaluated: 2018-01-13. Review status: criteria provided, single submitter. Criteria: ICSL Variant Classification Criteria 13 December 2019. Collection method: clinical testing. Allele origin: germline.
Comment: the same text as in the submission from Illumina Laboratory Services, Illumina above.

Illumina Laboratory Services, Illumina
Classification: Benign for Paramyotonia congenita of Von Eulenburg. Last evaluated: 2018-01-13. Review status: criteria provided, single submitter. Criteria: ICSL Variant Classification Criteria 13 December 2019. Collection method: clinical testing. Allele origin: germline.
Comment: the same text as in the submission from Illumina Laboratory Services, Illumina above.

Illumina Laboratory Services, Illumina
Classification: Benign for Potassium-aggravated myotonia. Last evaluated: 2018-01-13. Review status: criteria provided, single submitter. Criteria: ICSL Variant Classification Criteria 13 December 2019. Collection method: clinical testing. Allele origin: germline.
Comment: the same text as in the submission from Illumina Laboratory Services, Illumina above.

Illumina Laboratory Services, Illumina
Classification: Benign for Congenital myasthenic syndrome 16. Last evaluated: 2018-01-13. Review status: criteria provided, single submitter. Criteria: ICSL Variant Classification Criteria 13 December 2019. Collection method: clinical testing. Allele origin: germline.
Comment: the same text as in the submission from Illumina Laboratory Services, Illumina above.

GeneDx
Classification: Benign. Last evaluated: 2016-08-02. Review status: criteria provided, single submitter. Criteria: GeneDx Variant Classification (06012015). Collection method: clinical testing. Allele origin: germline. Affected: yes.
Comment: This variant is considered likely benign or benign based on one or more of the following criteria: it is a conservative change, it occurs at a poorly conserved position in the protein, it is predicted to be benign by multiple in silico algorithms, and/or has population frequency not consistent with disease.

PreventionGenetics, part of Exact Sciences
Classification: Benign. Review status: criteria provided, single submitter. Criteria: ACMG Guidelines, 2015. Collection method: clinical testing. Allele origin: germline.

NM_000334.4(SCN4A):c.4017+15G>T

Genes: GH-LCR (growth hormone locus control region; plus strand), SCN4A (sodium voltage-gated channel alpha subunit 4; minus strand). Cytogenetic location: 17q23.3.
Variant type: single nucleotide variant.
Coding change: c.4017+15G>T on transcript NM_000334.4 (MANE Select); 15 bases into the intron after coding-DNA position 4017, G replaced by T.
Molecular consequence: intron variant.
Genome position (GRCh38, 1-based): chr17:63,943,731, C>A on the plus strand (G>T on the coding strand, the complement: SCN4A is on the minus strand). VCF-style: chr17-63943731-C-A. GRCh37 (hg19) VCF-style: chr17-62021091-C-A.
Identifiers: ClinVar variation 255851 (VCV000255851.14), dbSNP rs77844100, ClinGen allele CA8709085.